The following is an entry in ClinVar:

NM_000243.3(MEFV):c.2040G>T (p.Met680Ile)

Genes: MEFV (MEFV innate immunity regulator, pyrin; minus strand), LOC126862264 (CDK7 strongly-dependent group 2 enhancer GRCh37_chr16:3293322-3294521; plus strand). Cytogenetic location: 16p13.3.
Variant type: single nucleotide variant.
Coding change: c.2040G>T on transcript NM_000243.3 (MANE Select); coding-DNA position 2040, G replaced by T.
Protein change: p.Met680Ile; replaces methionine 680 with isoleucine.
Molecular consequence: missense variant. On other transcripts: 3 prime UTR variant (1).
Genome position (GRCh38, 1-based): chr16:3,243,447, C>A on the plus strand (G>T on the coding strand, the complement: MEFV is on the minus strand). VCF-style: chr16-3243447-C-A. GRCh37 (hg19) VCF-style: chr16-3293447-C-A.
Other names: c.*244G>T (NM_001198536.2); short protein forms M680I.
Identifiers: ClinVar variation 234365 (VCV000234365.5), dbSNP rs28940580, ClinGen allele CA10577519.
Genomic context (GRCh38, chr16:3,243,447, plus strand): 5'-CTGGTACTCATTTTCCTTCATCATTATCACCACCCAGTAGCCATTCTCTGGCGACAGAGT[C>A]ATGTTCCCTTTCCTGCTTATGGATGTCTTGCAGGCTCCCAGGATCCATGCTGTCTTGTCT-3'
Protein context (NP_000234.1, residues 670-690): CKTSISRKGN[Met680Ile]TLSPENGYWV

ClinVar aggregate classification (germline): Pathogenic/Likely pathogenic. Review status: criteria provided, multiple submitters, no conflicts (2 of 4 stars). 2 submissions from 2 submitters: Pathogenic (1); Likely pathogenic (1). Last evaluated 2023-02-26.

Conditions:
Familial Mediterranean fever (FMF). Also called: POLYSEROSITIS, FAMILIAL PAROXYSMAL; POLYSEROSITIS, RECURRENT; Periodic peritonitis; Benign paroxysmal peritonitis. Identifiers: Orphanet 342, MedGen C0031069, MONDO:0018088, OMIM 249100. Disease mechanism: gain of function.

Submissions (2):

Labcorp Genetics (formerly Invitae), Labcorp
Classification: Pathogenic for Familial Mediterranean fever. Last evaluated: 2023-02-26. Review status: criteria provided, single submitter. Criteria: Invitae Variant Classification Sherloc (09022015). Collection method: clinical testing. Allele origin: germline.
Comment: Experimental studies have shown that this missense change affects MEFV function (PMID: 21600797). This sequence change replaces methionine, which is neutral and non-polar, with isoleucine, which is neutral and non-polar, at codon 680 of the MEFV protein (p.Met680Ile). This variant is not present in population databases (gnomAD no frequency). This missense change has been observed in individual(s) with familial Mediterranean fever (PMID: 23907647). It has also been observed to segregate with disease in related individuals. ClinVar contains an entry for this variant (Variation ID: 234365). Algorithms developed to predict the effect of missense changes on protein structure and function output the following: SIFT: "Not Available"; PolyPhen-2: "Benign"; Align-GVGD: "Not Available". The isoleucine amino acid residue is found in multiple mammalian species, which suggests that this missense change does not adversely affect protein function. For these reasons, this variant has been classified as Pathogenic.

GeneDx
Classification: Likely pathogenic. Last evaluated: 2016-01-25. Review status: criteria provided, single submitter. Criteria: GeneDx Variant Classification (06012015). Collection method: clinical testing. Allele origin: germline. Affected: yes.
Comment: The M680I mutation accounts for approximately 9% of identifiable MEFV mutations and has been detected in individuals from multiple ethnic backgrounds (Aksentijevich et al., 1999). In those individuals, the nucleotide substitutions observed at the cDNA level were c.2040 G>C or c.2040 G>A, rather than G>T as observed; however, the effect at the protein level is the same, resulting in a M680I mutation.

Literature cited by the submitters: PubMed 21600797 (cited by Labcorp Genetics (formerly Invitae), Labcorp); PubMed 23907647 (cited by Labcorp Genetics (formerly Invitae), Labcorp).